The following is an entry in ClinVar:

ClinVar aggregate classification (germline): Pathogenic/Likely pathogenic. Review status: criteria provided, multiple submitters, no conflicts (2 of 4 stars). 4 submissions from 4 submitters: Pathogenic (3); Likely pathogenic (1). Last evaluated 2025-08-21.

Conditions:
Charcot-Marie-Tooth disease axonal type 2V. Also called: CHARCOT-MARIE-TOOTH DISEASE, AXONAL, AUTOSOMAL DOMINANT, TYPE 2V; CHARCOT-MARIE-TOOTH NEUROPATHY, TYPE 2V. Identifiers: Orphanet 447964, MedGen C5569050, MONDO:0014665, OMIM 616491.
Mucopolysaccharidosis, MPS-III-B (MPS3B). Also called: N-ACETYL-ALPHA-D-GLUCOSAMINIDASE DEFICIENCY; NAGLU DEFICIENCY; SANFILIPPO SYNDROME B; MPS IIIB (Sanfilippo Syndrome Type B); MPS III B; Mucopolysaccharidosis type IIIB (Sanfilippo B). Identifiers: Orphanet 79270, MedGen C0086648, MONDO:0009656, OMIM 252920.

Submissions (4):

Labcorp Genetics (formerly Invitae), Labcorp
Classification: Pathogenic for Charcot-Marie-Tooth disease axonal type 2V; Mucopolysaccharidosis, MPS-III-B. Last evaluated: 2025-08-21. Review status: criteria provided, single submitter. Criteria: Invitae Variant Classification Sherloc (09022015). Collection method: clinical testing. Allele origin: germline.
Comment: This sequence change replaces leucine, which is neutral and non-polar, with proline, which is neutral and non-polar, at codon 550 of the NAGLU protein (p.Leu550Pro). This variant is not present in population databases (gnomAD no frequency). This missense change has been observed in individual(s) with mucopolysaccharidosis type IIIB (PMID: 28101780, 37596900). It has also been observed to segregate with disease in related individuals. ClinVar contains an entry for this variant (Variation ID: 2502621). Invitae Evidence Modeling of protein sequence and biophysical properties (such as structural, functional, and spatial information, amino acid conservation, physicochemical variation, residue mobility, and thermodynamic stability) indicates that this missense variant is expected to disrupt NAGLU protein function with a positive predictive value of 95%. For these reasons, this variant has been classified as Pathogenic.

Women's Health and Genetics/Laboratory Corporation of America, LabCorp
Classification: Pathogenic for Mucopolysaccharidosis, MPS-III-B. Last evaluated: 2024-11-27. Review status: criteria provided, single submitter. Criteria: LabCorp Variant Classification Summary - May 2015. Collection method: clinical testing. Allele origin: germline.
Comment: Variant summary: NAGLU c.1649T>C (p.Leu550Pro) results in a non-conservative amino acid change located in the Alpha-N-acetylglucosaminidase (NAGLU) C-terminal domain of the encoded protein sequence. Five of five in-silico tools predict a damaging effect of the variant on protein function. The variant was absent in 247382 control chromosomes. c.1649T>C has been reported in the literature in multiple individuals affected with Mucopolysaccharidosis Type IIIB (Sanfilippo Syndrome B) and has been shown to segregate with disease in one family (Ouesleti_2017, Almenabawy_2023). These data indicate that the variant is very likely to be associated with disease. To our knowledge, no experimental evidence demonstrating an impact on protein function has been reported. The following publications have been ascertained in the context of this evaluation (PMID: 28101780, 37596900). ClinVar contains an entry for this variant (Variation ID: 2502621). Based on the evidence outlined above, the variant was classified as pathogenic.

3billion
Classification: Pathogenic for Mucopolysaccharidosis, MPS-III-B. Last evaluated: 2023-08-05. Review status: criteria provided, single submitter. Criteria: ACMG Guidelines, 2015. Collection method: clinical testing. Allele origin: germline. Affected: yes.
Comment: The variant is not observed in the gnomAD v2.1.1 dataset. Predicted Consequence/Location: Missense variant In silico tool predictions suggest damaging effect of the variant on gene or gene product [REVEL: 0.91 (>=0.6, sensitivity 0.68 and specificity 0.92); 3Cnet: 0.99 (>=0.6, sensitivity 0.72 and precision 0.9)]. Same nucleotide change resulting in same amino acid change has been previously reported to be associated with NAGLU related disorder (ClinVar ID: VCV002502621 /PMID: 28101780). The variant has been observed in multiple (>3) similarly affected unrelated individuals (PMID: 28101780). The variant has been reported to co-segregate with the disease in at least one similarly affected relative/individual in the same family or similarly affected unrelated family (PMID: 28101780, 33578874). Therefore, this variant is classified as Pathogenic according to the recommendation of ACMG/AMP guideline.

GeneDx
Classification: Likely pathogenic. Last evaluated: 2022-11-18. Review status: criteria provided, single submitter. Criteria: GeneDx Variant Classification Process June 2021. Collection method: clinical testing. Allele origin: germline. Affected: yes.
Comment: Not observed at significant frequency in large population cohorts (gnomAD); In silico analysis supports that this missense variant has a deleterious effect on protein structure/function; This variant is associated with the following publications: (PMID: Mohammed2019[CaseReport], 28101780, 33578874)

Literature cited by the submitters: PubMed 28101780 (cited by 3 submitters); PubMed 37596900 (cited by Labcorp Genetics (formerly Invitae), Labcorp and Women's Health and Genetics/Laboratory Corporation of America, LabCorp); PubMed 33578874 (cited by 3billion).

NM_000263.4(NAGLU):c.1649T>C (p.Leu550Pro)

Gene: NAGLU (N-acetyl-alpha-glucosaminidase; plus strand). Cytogenetic location: 17q21.2.
Variant type: single nucleotide variant.
Coding change: c.1649T>C on transcript NM_000263.4 (MANE Select); coding-DNA position 1649, T replaced by C.
Protein change: p.Leu550Pro; replaces leucine 550 with proline.
Molecular consequence: missense variant.
Genome position (GRCh38, 1-based): chr17:42,543,655, T>C. VCF-style: chr17-42543655-T-C. GRCh37 (hg19) VCF-style: chr17-40695673-T-C.
Other names: short protein forms L550P.
Identifiers: ClinVar variation 2502621 (VCV002502621.7), dbSNP rs2510660046, ClinGen allele CA399604358.